The following is an entry in ClinVar:

NM_000116.5(TAFAZZIN):c.594C>A (p.Arg198=)

Gene: TAFAZZIN (tafazzin, phospholipid-lysophospholipid transacylase; plus strand). Cytogenetic location: Xq28.
Variant type: single nucleotide variant.
Coding change: c.594C>A on transcript NM_000116.5 (MANE Select); coding-DNA position 594, C replaced by A.
Protein change: p.Arg198=; no amino-acid change (arginine 198 retained).
Molecular consequence: synonymous variant. On other transcripts: non-coding transcript variant (1).
Genome position (GRCh38, 1-based): chrX:154,420,042, C>A. VCF-style: chrX-154420042-C-A. GRCh37 (hg19) VCF-style: chrX-153648381-C-A.
Other names: c.606C>A, p.Arg202= (NM_001303465.2); c.504C>A, p.Arg168= (NM_181311.4); c.552C>A, p.Arg184= (NM_181312.4); c.462C>A, p.Arg154= (NM_181313.4).
Identifiers: ClinVar variation 388622 (VCV000388622.4), dbSNP rs797040235, ClinGen allele CA16608352.
Genomic context (GRCh38, chrX:154,420,042, plus strand): 5'-TTGGCTCAGGGCCCAGCTTATGCTAACATTTCTACCTCCCCCCTGGGCAGGAATCGGGCG[C>A]CTGATTGCTGAGTGTCATCTCAACCCCATCATCCTGCCCCTGTGGCATGTCGGTGAGCCT-3'
Protein context (NP_000107.1, residues 188-208): EFLRFKWGIG[Arg198=]LIAECHLNPI

ClinVar aggregate classification (germline): Likely benign. Review status: criteria provided, multiple submitters, no conflicts (2 of 4 stars). 2 submissions from 2 submitters: Likely benign (2). Last evaluated 2023-05-18.

Conditions:
3-Methylglutaconic aciduria type 2 (BTHS). Also called: CARDIOSKELETAL MYOPATHY WITH NEUTROPENIA AND ABNORMAL MITOCHONDRIA; Barth syndrome. Identifiers: Orphanet 111, MedGen C0574083, MONDO:0010543, OMIM 302060.

Submissions (2):

Labcorp Genetics (formerly Invitae), Labcorp
Classification: Likely benign for 3-Methylglutaconic aciduria type 2. Last evaluated: 2023-05-18. Review status: criteria provided, single submitter. Criteria: Invitae Variant Classification Sherloc (09022015). Collection method: clinical testing. Allele origin: germline.

GeneDx
Classification: Likely benign. Last evaluated: 2016-08-15. Review status: criteria provided, single submitter. Criteria: GeneDx Variant Classification (06012015). Collection method: clinical testing. Allele origin: germline. Affected: yes.
Comment: This variant is considered likely benign or benign based on one or more of the following criteria: it is a conservative change, it occurs at a poorly conserved position in the protein, it is predicted to be benign by multiple in silico algorithms, and/or has population frequency not consistent with disease.